The following is an entry in ClinVar:

NM_175914.5(HNF4A):c.502T>C (p.Ser168Pro)

Gene: HNF4A (hepatocyte nuclear factor 4 alpha; plus strand). Cytogenetic location: 20q13.12.
Variant type: single nucleotide variant.
Coding change: c.502T>C on transcript NM_175914.5 (MANE Select); coding-DNA position 502, T replaced by C.
Protein change: p.Ser168Pro; replaces serine 168 with proline.
Molecular consequence: missense variant.
Genome position (GRCh38, 1-based): chr20:44,414,582, T>C. VCF-style: chr20-44414582-T-C. GRCh37 (hg19) VCF-style: chr20-43043222-T-C.
Other names: NM_175914.5(HNF4A):c.502T>C; p.Ser168Pro; c.568T>C, p.Ser190Pro (NM_000457.6, NM_178849.3, NM_178850.3); c.502T>C, p.Ser168Pro (NM_001030003.3, NM_001030004.3); c.547T>C, p.Ser183Pro (NM_001258355.2); c.493T>C, p.Ser165Pro (NM_001287182.2, NM_001287183.2, NM_001287184.2); short protein forms S183P, S190P, S165P, S168P.
Identifiers: ClinVar variation 1744896 (VCV001744896.3), dbSNP rs2515679906, ClinGen allele CA409106025.
Genomic context (GRCh38, chr20:44,414,582, plus strand): 5'-TCCGGGATCAACGGCGACATTCGGGCGAAGAAGATTGCCAGCATCGCAGATGTGTGTGAG[T>C]CCATGAAGGAGCAGCTGCTGGTTCTCGTTGAGTGGGCCAAGTACATCCCAGCTTTCTGCG-3'
Protein context (NP_787110.2, residues 158-178): KIASIADVCE[Ser168Pro]MKEQLLVLVE

ClinVar aggregate classification (germline): Uncertain significance. Review status: reviewed by expert panel (3 of 4 stars). 2 submissions from 2 submitters: Uncertain significance (1). 1 of the submissions does not count toward it. Last evaluated 2023-07-30.

Conditions:
Maturity-onset diabetes of the young (MODY). Also called: Maturity onset diabetes mellitus in young. Identifiers: Orphanet 552, MedGen C0342276, MONDO:0018911, HP:0004904.
Monogenic diabetes. Identifiers: Orphanet 183625, MedGen C3888631, MONDO:0015967.

Submissions (2):

ClinGen Monogenic Diabetes Variant Curation Expert Panel
Classification: Uncertain significance for Monogenic diabetes. Last evaluated: 2023-07-30. Review status: reviewed by expert panel. Criteria: MDEP HNF4A Specificiations 1.0.0. Collection method: curation. Allele origin: germline. Inheritance: Autosomal dominant inheritance.
Comment: The c.502T>C variant in the Hepatocyte nuclear factor 4 alpha gene, HNF4A, causes an amino acid change of serine to proline at codon 168 (p.( Ser168Pro)) of NM_175914.5. This variant is absent from gnomAD v2.1.1 (PM2_Supporting). This variant is predicted to be deleterious by computational evidence, with a REVEL score of 0.95, which is greater than the MDEP VCEP threshold of 0.70 (PP3). This variant was identified in an individual with a clinical history highly specific for HNF4A-MODY (MODY probability calculator result >50%, negative genetic testing for HNF1A) (PP4; internal lab contributor). This variant segregated with diabetes, with two informative meioses in two families with MODY (PP1; internal lab contributor). In summary, c.502T>C meets the criteria to be classified as VUS for monogenic diabetes. ACMG/AMP criteria applied, as specified by the ClinGen MDEP VCEP (specification version 1.0, approved 11/16/2022): PM2_Supporting, PP3, PP1, PP4.

Ambry Genetics
Classification: Uncertain significance for Maturity-onset diabetes of the young. Last evaluated: 2020-03-17. Review status: criteria provided, single submitter. Criteria: Ambry Variant Classification Scheme 2023. Collection method: clinical testing. Allele origin: germline. Not counted in ClinVar's aggregate classification.
Comment: The p.S168P variant (also known as c.502T>C), located in coding exon 5 of the HNF4A gene, results from a T to C substitution at nucleotide position 502. The serine at codon 168 is replaced by proline, an amino acid with similar properties. This amino acid position is highly conserved in available vertebrate species. In addition, this alteration is predicted to be deleterious by in silico analysis. Since supporting evidence is limited at this time, the clinical significance of this alteration remains unclear.